The following is an entry in ClinVar:

ClinVar aggregate classification (germline): Uncertain significance (1 of 4 stars; one submission).

Conditions:
Neuroblastoma, susceptibility to, 3. Also called: ALK-Related Neuroblastic Tumor Susceptibility. Identifiers: Orphanet 635, MedGen C2751681, MONDO:0013083, OMIM 613014.

Allele frequency attached by ClinVar (database versions not stated): gnomAD exomes below 0.00001.
gnomAD v4.1: 1 of 1,614,088 alleles (0.000062%); highest among the groups gnomAD compares: Non-Finnish European, 0.000085%; no homozygotes.

Submission:

Labcorp Genetics (formerly Invitae), Labcorp
Classification: Uncertain significance for Neuroblastoma, susceptibility to, 3. Last evaluated: 2022-04-05. Review status: criteria provided, single submitter. Criteria: Invitae Variant Classification Sherloc (09022015). Collection method: clinical testing. Allele origin: germline.
Comment: This sequence change replaces threonine, which is neutral and polar, with serine, which is neutral and polar, at codon 637 of the ALK protein (p.Thr637Ser). This variant is not present in population databases (gnomAD no frequency). This variant has not been reported in the literature in individuals affected with ALK-related conditions. Algorithms developed to predict the effect of missense changes on protein structure and function (SIFT, PolyPhen-2, Align-GVGD) all suggest that this variant is likely to be disruptive. In summary, the available evidence is currently insufficient to determine the role of this variant in disease. Therefore, it has been classified as a Variant of Uncertain Significance.

NM_004304.5(ALK):c.1910C>G (p.Thr637Ser)

Gene: ALK (ALK receptor tyrosine kinase; minus strand). Cytogenetic location: 2p23.2.
Variant type: single nucleotide variant.
Coding change: c.1910C>G on transcript NM_004304.5 (MANE Select); coding-DNA position 1910, C replaced by G.
Protein change: p.Thr637Ser; replaces threonine 637 with serine.
Molecular consequence: missense variant.
Genome position (GRCh38, 1-based): chr2:29,275,404, G>C on the plus strand (C>G on the coding strand, the complement: ALK is on the minus strand). VCF-style: chr2-29275404-G-C. GRCh37 (hg19) VCF-style: chr2-29498270-G-C.
Other names: short protein forms T637S.
Identifiers: ClinVar variation 2196162 (VCV002196162.4), dbSNP rs2465332069, ClinGen allele CA346479853.